The following is an entry in ClinVar:

ClinVar aggregate classification (germline): Uncertain significance (1 of 4 stars; one submission).

Conditions:
Immunodeficiency, common variable, 10. Also called: DEFICIT IN ANTERIOR PITUITARY FUNCTION AND VARIABLE IMMUNODEFICIENCY; IMMUNODEFICIENCY, COMMON VARIABLE, WITH CENTRAL ADRENAL INSUFFICIENCY. Identifiers: MedGen C3809991, MONDO:0014260, OMIM 615577.

Allele frequency attached by ClinVar (database versions not stated): gnomAD exomes below 0.00001; TOPMed 0.00003.
gnomAD v4.1: 1 of 1,609,148 alleles (0.000062%); highest among the groups gnomAD compares: Non-Finnish European, 0.000085%; no homozygotes.

Submission:

Labcorp Genetics (formerly Invitae), Labcorp
Classification: Uncertain significance for Immunodeficiency, common variable, 10. Last evaluated: 2023-07-26. Review status: criteria provided, single submitter. Criteria: Invitae Variant Classification Sherloc (09022015). Collection method: clinical testing. Allele origin: germline.
Comment: Variants that disrupt the consensus splice site are a relatively common cause of aberrant splicing (PMID: 17576681, 9536098). Algorithms developed to predict the effect of sequence changes on RNA splicing suggest that this variant is not likely to affect RNA splicing. This sequence change falls in intron 21 of the NFKB2 gene. It does not directly change the encoded amino acid sequence of the NFKB2 protein. It affects a nucleotide within the consensus splice site. This variant is not present in population databases (gnomAD no frequency). This variant has not been reported in the literature in individuals affected with NFKB2-related conditions. ClinVar contains an entry for this variant (Variation ID: 972457). In summary, the available evidence is currently insufficient to determine the role of this variant in disease. Therefore, it has been classified as a Variant of Uncertain Significance.

Literature cited by the submitters: PubMed 17576681; PubMed 9536098.

NM_001322934.2(NFKB2):c.2466+3G>A

Gene: NFKB2 (nuclear factor kappa B subunit 2; plus strand). Cytogenetic location: 10q24.32.
Variant type: single nucleotide variant.
Coding change: c.2466+3G>A on transcript NM_001322934.2 (MANE Select); 3 bases into the intron after coding-DNA position 2466, G replaced by A.
Molecular consequence: intron variant.
Genome position (GRCh38, 1-based): chr10:102,401,920, G>A. VCF-style: chr10-102401920-G-A. GRCh37 (hg19) VCF-style: chr10-104161677-G-A.
Other names: c.2466+3G>A (NM_001288724.1, NM_001077494.3, NM_001261403.3 and 1 more transcripts); c.2340+3G>A (NM_001322935.1).
Identifiers: ClinVar variation 972457 (VCV000972457.7), dbSNP rs996686526, ClinGen allele CA212218728.